The following is an entry in ClinVar:

ClinVar aggregate classification (germline): Uncertain significance (1 of 4 stars; one submission).

Conditions:
Short-rib thoracic dysplasia 11 with or without polydactyly (SRTD11). Also called: SHORT-RIB THORACIC DYSPLASIA 11 WITHOUT POLYDACTYLY. Identifiers: Orphanet 474, Orphanet 93271, MedGen C3810200, MONDO:0014287, OMIM 615633.

gnomAD v4.1: 41 of 1,498,246 alleles (0.0027%); highest among the groups gnomAD compares: Non-Finnish European, 0.0032%; no homozygotes.

Submission:

Labcorp Genetics (formerly Invitae), Labcorp
Classification: Uncertain significance for Short-rib thoracic dysplasia 11 with or without polydactyly. Last evaluated: 2021-12-20. Review status: criteria provided, single submitter. Criteria: Invitae Variant Classification Sherloc (09022015). Collection method: clinical testing. Allele origin: germline.
Comment: This sequence change replaces serine, which is neutral and polar, with threonine, which is neutral and polar, at codon 15 of the WDR34 protein (p.Ser15Thr). This variant is not present in population databases (gnomAD no frequency). In summary, the available evidence is currently insufficient to determine the role of this variant in disease. Therefore, it has been classified as a Variant of Uncertain Significance. Algorithms developed to predict the effect of missense changes on protein structure and function (SIFT, PolyPhen-2, Align-GVGD) all suggest that this variant is likely to be tolerated. This variant has not been reported in the literature in individuals affected with WDR34-related conditions.

NM_052844.4(DYNC2I2):c.44G>C (p.Ser15Thr)

Gene: DYNC2I2 (dynein 2 intermediate chain 2; minus strand). Cytogenetic location: 9q34.11.
Variant type: single nucleotide variant.
Coding change: c.44G>C on transcript NM_052844.4 (MANE Select); coding-DNA position 44, G replaced by C.
Protein change: p.Ser15Thr; replaces serine 15 with threonine.
Molecular consequence: missense variant.
Genome position (GRCh38, 1-based): chr9:128,656,683, C>G on the plus strand (G>C on the coding strand, the complement: DYNC2I2 is on the minus strand). VCF-style: chr9-128656683-C-G. GRCh37 (hg19) VCF-style: chr9-131418962-C-G.
Other names: short protein forms S15T.
Identifiers: ClinVar variation 2164990 (VCV002164990.2), dbSNP rs752793349, ClinGen allele CA375051700.